The following is an entry in ClinVar:

NM_003105.6(SORL1):c.5450A>T (p.Glu1817Val)

Gene: SORL1 (sortilin related receptor 1; plus strand). Cytogenetic location: 11q24.1.
Variant type: single nucleotide variant.
Coding change: c.5450A>T on transcript NM_003105.6 (MANE Select); coding-DNA position 5450, A replaced by T.
Protein change: p.Glu1817Val; replaces glutamic acid 1817 with valine.
Molecular consequence: missense variant.
Genome position (GRCh38, 1-based): chr11:121,614,901, A>T. VCF-style: chr11-121614901-A-T. GRCh37 (hg19) VCF-style: chr11-121485610-A-T.
Other names: short protein forms E1817V.
Identifiers: ClinVar variation 2758478 (VCV002758478.3), dbSNP rs1475392500, ClinGen allele CA383042107.
Genomic context (GRCh38, chr11:121,614,901, plus strand): 5'-TCCTGGAATCTCCTTTTCCTGTTTTCACAGTTGGCAATCTGACAGCTCATACATCCTATG[A>T]GATTTCTGCCTGGGCCAAGACTGACTTGGGGGATAGCCCTCTGGCATTTGAGCATGTTAT-3'
Protein context (NP_003096.2, residues 1807-1827): VGNLTAHTSY[Glu1817Val]ISAWAKTDLG

ClinVar aggregate classification (germline): Uncertain significance (1 of 4 stars; one submission).

Allele frequency attached by ClinVar (database versions not stated): gnomAD exomes below 0.00001.
gnomAD v4.1: 1 of 1,613,156 alleles (0.000062%); highest among the groups gnomAD compares: East Asian, 0.0022%; no homozygotes.

Submission:

Labcorp Genetics (formerly Invitae), Labcorp
Classification: Uncertain significance. Last evaluated: 2023-09-06. Review status: criteria provided, single submitter. Criteria: Invitae Variant Classification Sherloc (09022015). Collection method: clinical testing. Allele origin: germline.
Comment: In summary, the available evidence is currently insufficient to determine the role of this variant in disease. Therefore, it has been classified as a Variant of Uncertain Significance. An algorithm developed to predict the effect of missense changes on protein structure and function (PolyPhen-2) suggests that this variant is likely to be disruptive. This variant has not been reported in the literature in individuals affected with SORL1-related conditions. This variant is present in population databases (no rsID available, gnomAD 0.006%). This sequence change replaces glutamic acid, which is acidic and polar, with valine, which is neutral and non-polar, at codon 1817 of the SORL1 protein (p.Glu1817Val).